The following is an entry in ClinVar:

ClinVar aggregate classification (germline): Benign/Likely benign. Review status: criteria provided, multiple submitters, no conflicts (2 of 4 stars). 4 submissions from 4 submitters: Benign (1); Likely benign (3). Last evaluated 2026-06-01.

Allele frequency attached by ClinVar (database versions not stated): gnomAD 0.00125 and 0.00129; TOPMed 0.00126; 1000 Genomes Project 30x 0.00156; 1000 Genomes Project 0.00160; ESP Exome Variant Server 0.00169; gnomAD exomes 0.00194; ExAC 0.00209.
gnomAD v4.1: 2,824 of 1,610,642 alleles (0.18%); highest among the groups gnomAD compares: Middle Eastern, 0.69%; 10 homozygotes.

Submissions (4):

CeGaT Center for Human Genetics Tuebingen
Classification: Likely benign. Last evaluated: 2026-06-01. Review status: criteria provided, single submitter. Criteria: CeGaT Center For Human Genetics Tuebingen Variant Classification Criteria Version 2. Collection method: clinical testing. Allele origin: germline. Affected: yes. Observed: 11 variant alleles.
Comment: KNL1: BP4, BP7

Blueprint Genetics
Classification: Likely benign. Last evaluated: 2024-11-25. Review status: criteria provided, single submitter. Criteria: ACMG Guidelines, 2015. Collection method: clinical testing. Allele origin: germline.

Labcorp Genetics (formerly Invitae), Labcorp
Classification: Benign. Last evaluated: 2019-12-31. Review status: criteria provided, single submitter. Criteria: Invitae Variant Classification Sherloc (09022015). Collection method: clinical testing. Allele origin: germline.

Genetic Services Laboratory, University of Chicago
Classification: Likely benign. Last evaluated: 2016-01-08. Review status: criteria provided, single submitter. Criteria: ACMG Guidelines, 2015. Collection method: clinical testing. Allele origin: germline. Affected: no.

NM_144508.5(KNL1):c.165C>T (p.Asn55=)

Gene: KNL1 (kinetochore scaffold 1; plus strand). Cytogenetic location: 15q15.1.
Variant type: single nucleotide variant.
Coding change: c.165C>T on transcript NM_144508.5 (MANE Select); coding-DNA position 165, C replaced by T.
Protein change: p.Asn55=; no amino-acid change (asparagine 55 retained).
Molecular consequence: synonymous variant.
Genome position (GRCh38, 1-based): chr15:40,608,876, C>T. VCF-style: chr15-40608876-C-T. GRCh37 (hg19) VCF-style: chr15-40901074-C-T.
Other names: c.165C>T, p.Asn55= (NM_170589.5).
Identifiers: ClinVar variation 315843 (VCV000315843.43), dbSNP rs201818761, ClinGen allele CA7482396.